The following is an entry in ClinVar:

NM_007194.4(CHEK2):c.1183G>T (p.Val395Phe)

Gene: CHEK2 (checkpoint kinase 2; minus strand). Cytogenetic location: 22q12.1.
Variant type: single nucleotide variant.
Coding change: c.1183G>T on transcript NM_007194.4 (MANE Select); coding-DNA position 1183, G replaced by T.
Protein change: p.Val395Phe; replaces valine 395 with phenylalanine.
Molecular consequence: missense variant.
Genome position (GRCh38, 1-based): chr22:28,695,786, C>A on the plus strand (G>T on the coding strand, the complement: CHEK2 is on the minus strand). VCF-style: chr22-28695786-C-A. GRCh37 (hg19) VCF-style: chr22-29091774-C-A.
Other names: c.1312G>T, p.Val438Phe (NM_001005735.3); c.520G>T, p.Val174Phe (NM_001257387.3); c.982G>T, p.Val328Phe (NM_001349956.3); c.1096G>T, p.Val366Phe (NM_145862.3); short protein forms V395F, V174F, V328F, V366F, V438F.
Identifiers: ClinVar variation 376746 (VCV000376746.8), dbSNP rs587780170, ClinGen allele CA16603152.

ClinVar aggregate classification (germline): Uncertain significance. Review status: criteria provided, multiple submitters, no conflicts (2 of 4 stars). 2 submissions from 2 submitters: Uncertain significance (2). Last evaluated 2021-07-30.

Conditions:
Familial cancer of breast. Also called: BREAST CANCER, FAMILIAL; hereditary breast carcinoma; Hereditary breast cancer. Identifiers: Orphanet 227535, MedGen C0346153, MONDO:0016419, OMIM 114480. Disease mechanism: loss of function.

Submissions (2):

Labcorp Genetics (formerly Invitae), Labcorp
Classification: Uncertain significance for Familial cancer of breast. Last evaluated: 2021-07-30. Review status: criteria provided, single submitter. Criteria: Invitae Variant Classification Sherloc (09022015). Collection method: clinical testing. Allele origin: germline.
Comment: ClinVar contains an entry for this variant (Variation ID: 376746). This variant has not been reported in the literature in individuals affected with CHEK2-related conditions. This variant is not present in population databases (ExAC no frequency). This sequence change replaces valine with phenylalanine at codon 395 of the CHEK2 protein (p.Val395Phe). The valine residue is highly conserved and there is a small physicochemical difference between valine and phenylalanine. Algorithms developed to predict the effect of missense changes on protein structure and function are either unavailable or do not agree on the potential impact of this missense change (SIFT: "Deleterious"; PolyPhen-2: "Probably Damaging"; Align-GVGD: "Class C0"). In summary, the available evidence is currently insufficient to determine the role of this variant in disease. Therefore, it has been classified as a Variant of Uncertain Significance.

Mendelics
Classification: Uncertain significance for Familial cancer of breast. Last evaluated: 2019-05-28. Review status: criteria provided, single submitter. Criteria: Mendelics Assertion Criteria 2017. Collection method: clinical testing. Allele origin: unknown.